The following is an entry in ClinVar:

NM_006231.4(POLE):c.4755C>G (p.Ile1585Met)

Gene: POLE (DNA polymerase epsilon, catalytic subunit; minus strand). Cytogenetic location: 12q24.33.
Variant type: single nucleotide variant.
Coding change: c.4755C>G on transcript NM_006231.4 (MANE Select); coding-DNA position 4755, C replaced by G.
Protein change: p.Ile1585Met; replaces isoleucine 1585 with methionine.
Molecular consequence: missense variant.
Genome position (GRCh38, 1-based): chr12:132,642,703, G>C on the plus strand (C>G on the coding strand, the complement: POLE is on the minus strand). VCF-style: chr12-132642703-G-C. GRCh37 (hg19) VCF-style: chr12-133219289-G-C.
Other names: c.4755C>G (NM_006231.2); short protein forms I1585M.
Identifiers: ClinVar variation 3693518 (VCV003693518.3).

ClinVar aggregate classification (germline): Conflicting classifications of pathogenicity. Review status: criteria provided, conflicting classifications (1 of 4 stars). 2 submissions from 2 submitters: Uncertain significance (1); Likely benign (1). Last evaluated 2026-08-05.

Conditions:
Hereditary cancer-predisposing syndrome. Also called: Tumor predisposition; Hereditary neoplastic syndrome; Hereditary Cancer Syndrome; Neoplastic Syndromes, Hereditary. Identifiers: Orphanet 140162, MedGen C0027672, MeSH D009386, MONDO:0015356.

gnomAD v4.1: 1 of 1,613,796 alleles (0.000062%); highest among the groups gnomAD compares: South Asian, 0.0011%; no homozygotes.

Submissions (2):

Ambry Genetics
Classification: Likely benign for Hereditary cancer-predisposing syndrome. Last evaluated: 2026-08-05. Review status: criteria provided, single submitter. Criteria: Ambry Variant Classification Scheme 2023. Collection method: clinical testing. Allele origin: germline.

Labcorp Genetics (formerly Invitae), Labcorp
Classification: Uncertain significance. Last evaluated: 2024-12-02. Review status: criteria provided, single submitter. Criteria: Invitae Variant Classification Sherloc (09022015). Collection method: clinical testing. Allele origin: germline.
Comment: This sequence change replaces isoleucine, which is neutral and non-polar, with methionine, which is neutral and non-polar, at codon 1585 of the POLE protein (p.Ile1585Met). This variant is not present in population databases (gnomAD no frequency). This variant has not been reported in the literature in individuals affected with POLE-related conditions. Invitae Evidence Modeling of protein sequence and biophysical properties (such as structural, functional, and spatial information, amino acid conservation, physicochemical variation, residue mobility, and thermodynamic stability) indicates that this missense variant is not expected to disrupt POLE protein function with a negative predictive value of 80%. In summary, the available evidence is currently insufficient to determine the role of this variant in disease. Therefore, it has been classified as a Variant of Uncertain Significance.